The following is an entry in ClinVar:

NM_020117.11(LARS1):c.1037T>C (p.Val346Ala)

Gene: LARS1 (leucyl-tRNA synthetase 1; minus strand). Cytogenetic location: 5q32.
Variant type: single nucleotide variant.
Coding change: c.1037T>C on transcript NM_020117.11 (MANE Select); coding-DNA position 1037, T replaced by C.
Protein change: p.Val346Ala; replaces valine 346 with alanine.
Molecular consequence: missense variant.
Genome position (GRCh38, 1-based): chr5:146,157,431, A>G on the plus strand (T>C on the coding strand, the complement: LARS1 is on the minus strand). VCF-style: chr5-146157431-A-G. GRCh37 (hg19) VCF-style: chr5-145536994-A-G.
Other names: c.899T>C, p.Val300Ala (NM_001317964.2); c.875T>C, p.Val292Ala (NM_001317965.2); c.956T>C, p.Val319Ala (NM_016460.4); short protein forms V292A, V300A, V346A, V319A.
Identifiers: ClinVar variation 4745108 (VCV004745108.1).

ClinVar aggregate classification (germline): Uncertain significance (1 of 4 stars; one submission).

Submission:

Labcorp Genetics (formerly Invitae), Labcorp
Classification: Uncertain significance. Last evaluated: 2025-04-01. Review status: criteria provided, single submitter. Criteria: Invitae Variant Classification Sherloc (09022015). Collection method: clinical testing. Allele origin: germline.
Comment: This sequence change replaces valine, which is neutral and non-polar, with alanine, which is neutral and non-polar, at codon 346 of the LARS protein (p.Val346Ala). This variant is not present in population databases (gnomAD no frequency). This variant has not been reported in the literature in individuals affected with LARS-related conditions. Invitae Evidence Modeling of protein sequence and biophysical properties (such as structural, functional, and spatial information, amino acid conservation, physicochemical variation, residue mobility, and thermodynamic stability) indicates that this missense variant is not expected to disrupt LARS protein function with a negative predictive value of 80%. In summary, the available evidence is currently insufficient to determine the role of this variant in disease. Therefore, it has been classified as a Variant of Uncertain Significance.